The following is an entry in ClinVar:

ClinVar aggregate classification (germline): Uncertain significance (1 of 4 stars; one submission).

Allele frequency attached by ClinVar (database versions not stated): gnomAD exomes below 0.00001 and 0.00001.
gnomAD v4.1: 2 of 1,613,666 alleles (0.00012%); highest among the groups gnomAD compares: Non-Finnish European, 0.00017%; no homozygotes.

Submission:

Labcorp Genetics (formerly Invitae), Labcorp
Classification: Uncertain significance. Last evaluated: 2021-07-21. Review status: criteria provided, single submitter. Criteria: Invitae Variant Classification Sherloc (09022015). Collection method: clinical testing. Allele origin: germline.
Comment: This sequence change replaces glutamic acid with lysine at codon 174 of the CETP protein (p.Glu174Lys). The glutamic acid residue is weakly conserved and there is a small physicochemical difference between glutamic acid and lysine. This variant is not present in population databases (ExAC no frequency). This variant has not been reported in the literature in individuals affected with CETP-related conditions. Algorithms developed to predict the effect of missense changes on protein structure and function output the following: SIFT: "Deleterious"; PolyPhen-2: "Benign"; Align-GVGD: "Class C0". The lysine amino acid residue is found in multiple mammalian species, which suggests that this missense change does not adversely affect protein function. In summary, the available evidence is currently insufficient to determine the role of this variant in disease. Therefore, it has been classified as a Variant of Uncertain Significance.

NM_000078.3(CETP):c.520G>A (p.Glu174Lys)

Gene: CETP (cholesteryl ester transfer protein; plus strand). Cytogenetic location: 16q13.
Variant type: single nucleotide variant.
Coding change: c.520G>A on transcript NM_000078.3 (MANE Select); coding-DNA position 520, G replaced by A.
Protein change: p.Glu174Lys; replaces glutamic acid 174 with lysine.
Molecular consequence: missense variant.
Genome position (GRCh38, 1-based): chr16:56,969,994, G>A. VCF-style: chr16-56969994-G-A. GRCh37 (hg19) VCF-style: chr16-57003906-G-A.
Other names: c.520G>A, p.Glu174Lys (NM_001286085.2); short protein forms E174K.
Identifiers: ClinVar variation 1483250 (VCV001483250.8), dbSNP rs1567471388, ClinGen allele CA396000187.